The following is an entry in ClinVar:

NM_177438.3(DICER1):c.3518C>T (p.Thr1173Ile)

Gene: DICER1 (dicer 1, ribonuclease III; minus strand). Cytogenetic location: 14q32.13.
Variant type: single nucleotide variant.
Coding change: c.3518C>T on transcript NM_177438.3 (MANE Select); coding-DNA position 3518, C replaced by T.
Protein change: p.Thr1173Ile; replaces threonine 1173 with isoleucine.
Molecular consequence: missense variant.
Genome position (GRCh38, 1-based): chr14:95,103,878, G>A on the plus strand (C>T on the coding strand, the complement: DICER1 is on the minus strand). VCF-style: chr14-95103878-G-A. GRCh37 (hg19) VCF-style: chr14-95570215-G-A.
Other names: c.3518C>T, p.Thr1173Ile (NM_001195573.1, NM_001271282.3, NM_001291628.2 and 1 more transcripts); short protein forms T1173I.
Identifiers: ClinVar variation 412151 (VCV000412151.14), dbSNP rs769329149, ClinGen allele CA16614196.

ClinVar aggregate classification (germline): Uncertain significance. Review status: criteria provided, multiple submitters, no conflicts (2 of 4 stars). 3 submissions from 3 submitters: Uncertain significance (3). Last evaluated 2025-11-11.

Conditions:
DICER1-related tumor predisposition. Also called: DICER1-related pleuropulmonary blastoma cancer predisposition syndrome; DICER1 syndrome. Identifiers: Orphanet 284343, MedGen C3839822, MONDO:0100216.
Global developmental delay - lung cysts - overgrowth - Wilms tumor syndrome. Also called: GLOW Syndrome; GLOBAL DEVELOPMENTAL DELAY, LUNG CYSTS, OVERGROWTH, AND WILMS TUMOR. Identifiers: Orphanet 404476, MedGen C4748924, MONDO:0018445, OMIM 618272.
Hereditary cancer-predisposing syndrome. Also called: Hereditary neoplastic syndrome; Neoplastic Syndromes, Hereditary; Tumor predisposition; Hereditary Cancer Syndrome. Identifiers: Orphanet 140162, MedGen C0027672, MeSH D009386, MONDO:0015356.

gnomAD v4.1: 7 of 1,614,034 alleles (0.00043%); highest among the groups gnomAD compares: African/African-American, 0.0013%; no homozygotes.

Submissions (3):

Labcorp Genetics (formerly Invitae), Labcorp
Classification: Uncertain significance for DICER1-related tumor predisposition. Last evaluated: 2025-11-11. Review status: criteria provided, single submitter. Criteria: Invitae Variant Classification Sherloc (09022015). Collection method: clinical testing. Allele origin: germline.
Comment: This sequence change replaces threonine, which is neutral and polar, with isoleucine, which is neutral and non-polar, at codon 1173 of the DICER1 protein (p.Thr1173Ile). This variant is not present in population databases (gnomAD no frequency). This variant has not been reported in the literature in individuals affected with DICER1-related conditions. ClinVar contains an entry for this variant (Variation ID: 412151). Invitae Evidence Modeling of protein sequence and biophysical properties (such as structural, functional, and spatial information, amino acid conservation, physicochemical variation, residue mobility, and thermodynamic stability) indicates that this missense variant is not expected to disrupt DICER1 protein function with a negative predictive value of 95%. In summary, the available evidence is currently insufficient to determine the role of this variant in disease. Therefore, it has been classified as a Variant of Uncertain Significance.

Ambry Genetics
Classification: Uncertain significance for Hereditary cancer-predisposing syndrome. Last evaluated: 2024-02-12. Review status: criteria provided, single submitter. Criteria: Ambry Variant Classification Scheme 2023. Collection method: clinical testing. Allele origin: germline.
Comment: The p.T1173I variant (also known as c.3518C>T), located in coding exon 20 of the DICER1 gene, results from a C to T substitution at nucleotide position 3518. The threonine at codon 1173 is replaced by isoleucine, an amino acid with similar properties. This variant has been reported in 1/1120 pediatric cancer patients who underwent whole genome sequencing and/or whole exome sequencing; this/these patient(s) was/were diagnosed with hyperdiploid ALL (Zhang J et al. N Engl J Med, 2015 Dec;373:2336-2346). This amino acid position is not well conserved in available vertebrate species. In addition, this alteration is predicted to be tolerated by in silico analysis. Since supporting evidence is limited at this time, the clinical significance of this alteration remains unclear.

Baylor Genetics
Classification: Uncertain significance for Global developmental delay - lung cysts - overgrowth - Wilms tumor syndrome. Last evaluated: 2024-01-27. Review status: criteria provided, single submitter. Criteria: ACMG Guidelines, 2015. Collection method: clinical testing. Allele origin: unknown.

Literature cited by the submitters: PubMed 26580448 (cited by Ambry Genetics).